The following is an entry in ClinVar:

NM_006904.7(PRKDC):c.1532C>T (p.Ser511Leu)

Gene: PRKDC (protein kinase, DNA-activated, catalytic subunit; minus strand). Cytogenetic location: 8q11.21.
Variant type: single nucleotide variant.
Coding change: c.1532C>T on transcript NM_006904.7 (MANE Select); coding-DNA position 1532, C replaced by T.
Protein change: p.Ser511Leu; replaces serine 511 with leucine.
Molecular consequence: missense variant.
Genome position (GRCh38, 1-based): chr8:47,934,056, G>A on the plus strand (C>T on the coding strand, the complement: PRKDC is on the minus strand). VCF-style: chr8-47934056-G-A. GRCh37 (hg19) VCF-style: chr8-48846616-G-A.
Other names: c.1532C>T, p.Ser511Leu (NM_001081640.2); short protein forms S511L.
Identifiers: ClinVar variation 3425366 (VCV003425366.1).

ClinVar aggregate classification (germline): Uncertain significance (1 of 4 stars; one submission).

gnomAD v4.1: 2 of 1,613,734 alleles (0.00012%); highest among the groups gnomAD compares: South Asian, 0.0022%; no homozygotes.

Submission:

Ambry Genetics
Classification: Uncertain significance. Last evaluated: 2024-10-21. Review status: criteria provided, single submitter. Criteria: Ambry Variant Classification Scheme 2023. Collection method: clinical testing. Allele origin: germline.
Comment: The p.S511L variant (also known as c.1532C>T), located in coding exon 15 of the PRKDC gene, results from a C to T substitution at nucleotide position 1532. The serine at codon 511 is replaced by leucine, an amino acid with dissimilar properties. This amino acid position is conserved. In addition, this alteration is predicted to be tolerated by in silico analysis. Based on the available evidence, the clinical significance of this variant remains unclear.